The following is an entry in ClinVar:

ClinVar aggregate classification (germline): Benign/Likely benign. Review status: criteria provided, multiple submitters, no conflicts (2 of 4 stars). 2 submissions from 2 submitters: Benign (1); Likely benign (1). Last evaluated 2025-01-14.

Conditions:
Papillary renal cell carcinoma type 1 (RCCP1). Also called: Renal adenocarcinoma; Renal cell carcinoma 1; Renal cell carcinoma, somatic; RENAL CELL CARCINOMA, PAPILLARY, 1, SOMATIC. Identifiers: Orphanet 47044, MedGen C1336839, OMIM 605074, HP:0011797.
Hereditary cancer-predisposing syndrome. Also called: Neoplastic Syndromes, Hereditary; Tumor predisposition; Hereditary Cancer Syndrome; Hereditary neoplastic syndrome. Identifiers: Orphanet 140162, MedGen C0027672, MeSH D009386, MONDO:0015356.

gnomAD v4.1: 1 of 1,614,032 alleles (0.000062%); highest among the groups gnomAD compares: East Asian, 0.0022%; no homozygotes.

Submissions (2):

Ambry Genetics
Classification: Likely benign for Hereditary cancer-predisposing syndrome. Last evaluated: 2025-01-14. Review status: criteria provided, single submitter. Criteria: Ambry Variant Classification Scheme 2023. Collection method: clinical testing. Allele origin: germline.

Myriad Genetics, Inc.
Classification: Benign for Papillary renal cell carcinoma type 1. Last evaluated: 2024-11-06. Review status: criteria provided, single submitter. Criteria: Myriad Autosomal Dominant, Autosomal Recessive and X-Linked Classification Criteria (2023). Collection method: clinical testing. Allele origin: unknown.
Comment: This variant is considered benign. This variant is a silent/synonymous amino acid change and it is not expected to impact splicing.

NM_000245.4(MET):c.399T>C (p.Cys133=)

Gene: MET (MET proto-oncogene, receptor tyrosine kinase; plus strand). Cytogenetic location: 7q31.2.
Variant type: single nucleotide variant.
Coding change: c.399T>C on transcript NM_000245.4 (MANE Select); coding-DNA position 399, T replaced by C.
Protein change: p.Cys133=; no amino-acid change (cysteine 133 retained).
Molecular consequence: synonymous variant. On other transcripts: intron variant (1).
Genome position (GRCh38, 1-based): chr7:116,699,483, T>C. VCF-style: chr7-116699483-T-C. GRCh37 (hg19) VCF-style: chr7-116339537-T-C.
Other names: c.399T>C, p.Cys133= (NM_001127500.3, NM_001324401.3); c.-91+26906T>C (NM_001324402.2).
Identifiers: ClinVar variation 3773149 (VCV003773149.2).